The following is an entry in ClinVar:

NM_006206.6(PDGFRA):c.1549G>A (p.Val517Met)

Gene: PDGFRA (platelet derived growth factor receptor alpha; plus strand). Cytogenetic location: 4q12.
Variant type: single nucleotide variant.
Coding change: c.1549G>A on transcript NM_006206.6 (MANE Select); coding-DNA position 1549, G replaced by A.
Protein change: p.Val517Met; replaces valine 517 with methionine.
Molecular consequence: missense variant.
Genome position (GRCh38, 1-based): chr4:54,273,721, G>A. VCF-style: chr4-54273721-G-A. GRCh37 (hg19) VCF-style: chr4-55139888-G-A.
Other names: c.1549G>A, p.Val517Met (NM_001347827.2, NM_001347829.2); c.1624G>A, p.Val542Met (NM_001347828.2); c.1588G>A, p.Val530Met (NM_001347830.2); short protein forms V530M, V542M, V517M.
Identifiers: ClinVar variation 1999268 (VCV001999268.4), dbSNP rs1174270318, ClinGen allele CA356892792.

ClinVar aggregate classification (germline): Uncertain significance (1 of 4 stars; one submission).

Conditions:
Gastrointestinal stromal tumor. Also called: Gastrointestinal stroma tumor; Gastrointestinal stromal tumor, somatic. Identifiers: Orphanet 44890, MedGen C0238198, MeSH D046152, MONDO:0011719, OMIM 606764, HP:0100723.

Allele frequency attached by ClinVar (database versions not stated): TOPMed 0.00001.

Submission:

Labcorp Genetics (formerly Invitae), Labcorp
Classification: Uncertain significance for Gastrointestinal stromal tumor. Last evaluated: 2022-05-27. Review status: criteria provided, single submitter. Criteria: Invitae Variant Classification Sherloc (09022015). Collection method: clinical testing. Allele origin: germline.
Comment: In summary, the available evidence is currently insufficient to determine the role of this variant in disease. Therefore, it has been classified as a Variant of Uncertain Significance. This sequence change replaces valine, which is neutral and non-polar, with methionine, which is neutral and non-polar, at codon 517 of the PDGFRA protein (p.Val517Met). This variant is not present in population databases (gnomAD no frequency). This variant has not been reported in the literature in individuals affected with PDGFRA-related conditions. Algorithms developed to predict the effect of missense changes on protein structure and function are either unavailable or do not agree on the potential impact of this missense change (SIFT: "Tolerated"; PolyPhen-2: "Possibly Damaging"; Align-GVGD: "Class C0").